The following is an entry in ClinVar:

NM_002204.4(ITGA3):c.902C>T (p.Ser301Leu)

Gene: ITGA3 (integrin subunit alpha 3; plus strand). Cytogenetic location: 17q21.33.
Variant type: single nucleotide variant.
Coding change: c.902C>T on transcript NM_002204.4 (MANE Select); coding-DNA position 902, C replaced by T.
Protein change: p.Ser301Leu; replaces serine 301 with leucine.
Molecular consequence: missense variant.
Genome position (GRCh38, 1-based): chr17:50,071,461, C>T. VCF-style: chr17-50071461-C-T. GRCh37 (hg19) VCF-style: chr17-48148825-C-T.
Other names: NM_005501.2:c.902C>T; short protein forms S301L.
Identifiers: ClinVar variation 2443563 (VCV002443563.3), dbSNP rs150595761, ClinGen allele CA8641371.

ClinVar aggregate classification (germline): Uncertain significance. Review status: criteria provided, multiple submitters, no conflicts (2 of 4 stars). 3 submissions from 3 submitters: Uncertain significance (3). Last evaluated 2024-11-25.

Conditions:
Inborn genetic diseases. Identifiers: MedGen C0950123, MeSH D030342.

Allele frequency attached by ClinVar (database versions not stated): gnomAD exomes 0.00003; ExAC 0.00012; TOPMed 0.00014; gnomAD 0.00017; ESP Exome Variant Server 0.00023.

Submissions (3):

Blueprint Genetics
Classification: Uncertain significance. Last evaluated: 2024-11-25. Review status: criteria provided, single submitter. Criteria: ACMG Guidelines, 2015. Collection method: clinical testing. Allele origin: germline.

Ambry Genetics
Classification: Uncertain significance for Inborn genetic diseases. Last evaluated: 2023-12-18. Review status: criteria provided, single submitter. Criteria: Ambry Variant Classification Scheme 2023. Collection method: clinical testing. Allele origin: germline.

GeneDx
Classification: Uncertain significance. Last evaluated: 2022-09-12. Review status: criteria provided, single submitter. Criteria: GeneDx Variant Classification Process June 2021. Collection method: clinical testing. Allele origin: germline. Affected: yes.
Comment: Has not been previously published as pathogenic or benign to our knowledge; In silico analysis supports that this missense variant has a deleterious effect on protein structure/function